The following is an entry in ClinVar:

NM_000193.4(SHH):c.1195G>A (p.Gly399Arg)

Gene: SHH (sonic hedgehog signaling molecule; minus strand). Cytogenetic location: 7q36.3.
Variant type: single nucleotide variant.
Coding change: c.1195G>A on transcript NM_000193.4 (MANE Select); coding-DNA position 1195, G replaced by A.
Protein change: p.Gly399Arg; replaces glycine 399 with arginine.
Molecular consequence: missense variant. On other transcripts: intron variant (1).
Genome position (GRCh38, 1-based): chr7:155,803,094, C>T on the plus strand (G>A on the coding strand, the complement: SHH is on the minus strand). VCF-style: chr7-155803094-C-T. GRCh37 (hg19) VCF-style: chr7-155595788-C-T.
Other names: c.302-2849G>A (NM_001310462.2); short protein forms G399R.
Identifiers: ClinVar variation 1309824 (VCV001309824.3), dbSNP rs977002510, ClinGen allele CA169421705.
Genomic context (GRCh38, chr7:155,803,094, plus strand): 5'-CTGGAGCGGTTAGGGCTACTCTGCCGCCGCCGCCCCCGCGGTCCCCGCCGCCGCTGTCCC[C>T]GCCGCGGTCCGTGCGCGCGGGCGCCAGTGCAGCCAGGAGCGCGTGCGCCAGGCGGAAGGG-3'
Protein context (NP_000184.1, residues 389-409): ALAPARTDRG[Gly399Arg]DSGGGDRGGG

ClinVar aggregate classification (germline): Uncertain significance. Review status: criteria provided, multiple submitters, no conflicts (2 of 4 stars). 2 submissions from 2 submitters: Uncertain significance (2). Last evaluated 2025-08-08.

Conditions:
Inborn genetic diseases. Identifiers: MedGen C0950123, MeSH D030342.

Allele frequency attached by ClinVar (database versions not stated): gnomAD exomes below 0.00001; gnomAD 0.00003 and 0.00004; TOPMed 0.00004.

Submissions (2):

Ambry Genetics
Classification: Uncertain significance for Inborn genetic diseases. Last evaluated: 2025-08-08. Review status: criteria provided, single submitter. Criteria: Ambry Variant Classification Scheme 2023. Collection method: clinical testing. Allele origin: germline.

GeneDx
Classification: Uncertain significance. Last evaluated: 2019-10-30. Review status: criteria provided, single submitter. Criteria: GeneDx Variant Classification Process June 2021. Collection method: clinical testing. Allele origin: germline. Affected: yes.
Comment: Not observed at a significant frequency in large population cohorts (Lek et al., 2016); In silico analysis, which includes protein predictors and evolutionary conservation, supports that this variant does not alter protein structure/function; Has not been previously published as pathogenic or benign to our knowledge